The following is an entry in ClinVar:

ClinVar aggregate classification (germline): Uncertain significance (1 of 4 stars; one submission).

Allele frequency attached by ClinVar (database versions not stated): ExAC 0.00001; gnomAD 0.00001; gnomAD exomes 0.00004; TOPMed 0.00001.
gnomAD v4.1: 59 of 1,606,820 alleles (0.0037%); highest among the groups gnomAD compares: Non-Finnish European, 0.005%; no homozygotes.

Submission:

Labcorp Genetics (formerly Invitae), Labcorp
Classification: Uncertain significance. Last evaluated: 2025-07-09. Review status: criteria provided, single submitter. Criteria: Invitae Variant Classification Sherloc (09022015). Collection method: clinical testing. Allele origin: germline.
Comment: This sequence change replaces tryptophan, which is neutral and slightly polar, with cysteine, which is neutral and slightly polar, at codon 186 of the HR protein (p.Trp186Cys). This variant is present in population databases (rs746154352, gnomAD 0.003%). This variant has not been reported in the literature in individuals affected with HR-related conditions. ClinVar contains an entry for this variant (Variation ID: 3008023). An algorithm developed to predict the effect of missense changes on protein structure and function (PolyPhen-2) suggests that this variant is likely to be disruptive. In summary, the available evidence is currently insufficient to determine the role of this variant in disease. Therefore, it has been classified as a Variant of Uncertain Significance.

NM_005144.5(HR):c.558G>C (p.Trp186Cys)

Gene: HR (HR lysine demethylase and nuclear receptor corepressor; minus strand). Cytogenetic location: 8p21.3.
Variant type: single nucleotide variant.
Coding change: c.558G>C on transcript NM_005144.5 (MANE Select); coding-DNA position 558, G replaced by C.
Protein change: p.Trp186Cys; replaces tryptophan 186 with cysteine.
Molecular consequence: missense variant.
Genome position (GRCh38, 1-based): chr8:22,128,613, C>G on the plus strand (G>C on the coding strand, the complement: HR is on the minus strand). VCF-style: chr8-22128613-C-G. GRCh37 (hg19) VCF-style: chr8-21986126-C-G.
Other names: c.558G>C, p.Trp186Cys (NM_018411.4); short protein forms W186C.
Identifiers: ClinVar variation 3008023 (VCV003008023.3), dbSNP rs746154352, ClinGen allele CA4662693.
Genomic context (GRCh38, chr8:22,128,613, plus strand): 5'-ACTCACCTTGCTGCCTAAGCTGAAGGCAGAGGGCACTTTGGGCTGGCCCCCGGAGTATAC[C>G]CAGGGGTGCGGGGTCAGGGGCCAGTCACATGGATGCTCTGGGGGCAGGCCAGACACTAGG-3'
Protein context (NP_005135.2, residues 176-196): PCDWPLTPHP[Trp186Cys]VYSGGQPKVP